The following is an entry in ClinVar:

NM_001042492.3(NF1):c.1325T>C (p.Met442Thr)

Gene: NF1 (neurofibromin 1; plus strand). Cytogenetic location: 17q11.2.
Variant type: single nucleotide variant.
Coding change: c.1325T>C on transcript NM_001042492.3 (MANE Select); coding-DNA position 1325, T replaced by C.
Protein change: p.Met442Thr; replaces methionine 442 with threonine.
Molecular consequence: missense variant.
Genome position (GRCh38, 1-based): chr17:31,206,304, T>C. VCF-style: chr17-31206304-T-C. GRCh37 (hg19) VCF-style: chr17-29533322-T-C.
Other names: c.1325T>C, p.Met442Thr (NM_000267.4, NM_001128147.3); short protein forms M442T.
Identifiers: ClinVar variation 480137 (VCV000480137.5), dbSNP rs1555611580, ClinGen allele CA398999461.

ClinVar aggregate classification (germline): Uncertain significance (1 of 4 stars; one submission).

Conditions:
Hereditary cancer-predisposing syndrome. Also called: Hereditary Cancer Syndrome; Neoplastic Syndromes, Hereditary; Tumor predisposition; Hereditary neoplastic syndrome. Identifiers: Orphanet 140162, MedGen C0027672, MeSH D009386, MONDO:0015356.
Cardiovascular phenotype. Identifiers: MedGen CN230736.

Submission:

Ambry Genetics
Classification: Uncertain significance for Cardiovascular phenotype; Hereditary cancer-predisposing syndrome. Last evaluated: 2016-06-21. Review status: criteria provided, single submitter. Criteria: Ambry Variant Classification Scheme 2023. Collection method: clinical testing. Allele origin: germline.
Comment: The p.M442T variant (also known as c.1325T>C), located in coding exon 12 of the NF1 gene, results from a T to C substitution at nucleotide position 1325. The methionine at codon 442 is replaced by threonine, an amino acid with similar properties. This variant was not reported in population based cohorts in the following databases: Database of Single Nucleotide Polymorphisms (dbSNP), NHLBI Exome Sequencing Project (ESP), and 1000 Genomes Project. In the ESP, this variant was not observed in 6503 samples (13006 alleles) with coverage at this position. To date, this alteration has been detected with an allele frequency of approximately 0.001% (greater than 175000 alleles tested) in our clinical cohort. This amino acid position is highly conserved in available vertebrate species. In addition, this alteration is predicted to be deleterious by in silico analysis. Since supporting evidence is limited at this time, the clinical significance of this alteration remains unclear.